The following is an entry in ClinVar:

ClinVar aggregate classification (germline): Uncertain significance (1 of 4 stars; one submission).

Conditions:
Ehlers-Danlos syndrome, type 4 (EDSVASC). Also called: Ehlers-Danlos Syndrome Type IV; Ehlers-Danlos syndrome vascular type; Ehlers Danlos syndrome, ecchymotic type; Ehlers Danlos syndrome, arterial type; Ehlers Danlos syndrome, Sack-Barabas type. Identifiers: Orphanet 286, MedGen C0268338, MONDO:0017314, OMIM 130050.

Submission:

All of Us Research Program, National Institutes of Health
Classification: Uncertain significance for Ehlers-Danlos syndrome, type 4. Last evaluated: 2023-12-01. Review status: criteria provided, single submitter. Criteria: ACMG Guidelines, 2015. Collection method: clinical testing. Allele origin: germline. Inheritance: Autosomal dominant inheritance. Observed: 1 variant allele, 1 heterozygote.
Comment: This study involves interpretation of variants in research participants for the purpose of population health screening. Participant phenotype was not available at the time of variant classification. Additional details can be found in publication PMID: 35346344, PMCID: PMC8962531

NM_000090.4(COL3A1):c.40G>C (p.Ala14Pro)

Gene: COL3A1 (collagen type III alpha 1 chain; plus strand). Cytogenetic location: 2q32.2.
Variant type: single nucleotide variant.
Coding change: c.40G>C on transcript NM_000090.4 (MANE Select); coding-DNA position 40, G replaced by C.
Protein change: p.Ala14Pro; replaces alanine 14 with proline.
Molecular consequence: missense variant.
Genome position (GRCh38, 1-based): chr2:188,974,529, G>C. VCF-style: chr2-188974529-G-C. GRCh37 (hg19) VCF-style: chr2-189839255-G-C.
Other names: short protein forms A14P.
Identifiers: ClinVar variation 3074136 (VCV003074136.1), dbSNP rs547373542, ClinGen allele CA349845422.